The following is an entry in ClinVar:

NM_032273.4(TMEM126A):c.87-2A>C

Gene: TMEM126A (transmembrane protein 126A; plus strand). Cytogenetic location: 11q14.1.
Variant type: single nucleotide variant.
Coding change: c.87-2A>C on transcript NM_032273.4 (MANE Select); the canonical splice acceptor site of the intron before coding-DNA position 87, A replaced by C.
Molecular consequence: splice acceptor variant.
Genome position (GRCh38, 1-based): chr11:85,654,061, A>C. VCF-style: chr11-85654061-A-C. GRCh37 (hg19) VCF-style: chr11-85365105-A-C.
Other names: c.-124-2A>C (NM_001244735.2).
Identifiers: ClinVar variation 1067483 (VCV001067483.7), dbSNP rs2153313250, ClinGen allele CA381995713.
Genomic context (GRCh38, chr11:85,654,061, plus strand): 5'-GATCGGGAAAGCTCACACACACAATAATGCCAAAGAAAAGTTCTTTCTTCTCACCCTTTC[A>C]GGAATCTACTTGAAAATGGATCGGTTTATGTTGGATTAAATGCTGCTCTTTGTGGCCTCA-3'

ClinVar aggregate classification (germline): Likely pathogenic (1 of 4 stars; one submission).

Submission:

Labcorp Genetics (formerly Invitae), Labcorp
Classification: Likely pathogenic. Last evaluated: 2020-09-11. Review status: criteria provided, single submitter. Criteria: Invitae Variant Classification Sherloc (09022015). Collection method: clinical testing. Allele origin: germline.
Comment: In summary, the currently available evidence indicates that the variant is pathogenic, but additional data are needed to prove that conclusively. Therefore, this variant has been classified as Likely Pathogenic. Donor and acceptor splice site variants typically lead to a loss of protein function (PMID: 16199547), and loss-of-function variants in TMEM126A are known to be pathogenic (PMID: 19327736). This variant has not been reported in the literature in individuals with TMEM126A-related conditions. This variant is not present in population databases (ExAC no frequency). This sequence change affects an acceptor splice site in intron 2 of the TMEM126A gene. It is expected to disrupt RNA splicing and likely results in an absent or disrupted protein product.

Literature cited by the submitters: PubMed 16199547; PubMed 19327736.